The following is an entry in ClinVar:

NM_021067.5(GINS1):c.522+1G>T

Gene: GINS1 (GINS complex subunit 1; plus strand). Cytogenetic location: 20p11.21.
Variant type: single nucleotide variant.
Coding change: c.522+1G>T on transcript NM_021067.5 (MANE Select); the canonical splice donor site of the intron after coding-DNA position 522, G replaced by T.
Molecular consequence: splice donor variant.
Genome position (GRCh38, 1-based): chr20:25,441,777, G>T. VCF-style: chr20-25441777-G-T. GRCh37 (hg19) VCF-style: chr20-25422413-G-T.
Other names: c.405+1G>T (NM_001410830.1); c.267+1G>T (NM_001410831.1).
Identifiers: ClinVar variation 3682436 (VCV003682436.2).

ClinVar aggregate classification (germline): Uncertain significance (1 of 4 stars; one submission).

Submission:

Labcorp Genetics (formerly Invitae), Labcorp
Classification: Uncertain significance. Last evaluated: 2024-06-10. Review status: criteria provided, single submitter. Criteria: Invitae Variant Classification Sherloc (09022015). Collection method: clinical testing. Allele origin: germline.
Comment: This sequence change falls in intron 6 of the GINS1 gene. It does not directly change the encoded amino acid sequence of the GINS1 protein. It affects a nucleotide within the consensus splice site. This variant is not present in population databases (gnomAD no frequency). This variant has not been reported in the literature in individuals affected with GINS1-related conditions. Variants that disrupt the consensus splice site are a relatively common cause of aberrant splicing (PMID: 17576681, 9536098). Algorithms developed to predict the effect of sequence changes on RNA splicing suggest that this variant may disrupt the consensus splice site. In summary, the available evidence is currently insufficient to determine the role of this variant in disease. Therefore, it has been classified as a Variant of Uncertain Significance.

Literature cited by the submitters: PubMed 17576681; PubMed 9536098.